The following is an entry in ClinVar:

NM_001277115.2(DNAH11):c.3635A>G (p.Tyr1212Cys)

Gene: DNAH11 (dynein axonemal heavy chain 11; plus strand). Cytogenetic location: 7p15.3.
Variant type: single nucleotide variant.
Coding change: c.3635A>G on transcript NM_001277115.2 (MANE Select); coding-DNA position 3635, A replaced by G.
Protein change: p.Tyr1212Cys; replaces tyrosine 1212 with cysteine.
Molecular consequence: missense variant.
Genome position (GRCh38, 1-based): chr7:21,601,605, A>G. VCF-style: chr7-21601605-A-G. GRCh37 (hg19) VCF-style: chr7-21641223-A-G.
Other names: c.3635A>G, p.Tyr1212Cys (NM_003777.3); short protein forms Y1212C.
Identifiers: ClinVar variation 1733440 (VCV001733440.5), dbSNP rs199911435, ClinGen allele CA4179685.

ClinVar aggregate classification (germline): Conflicting classifications of pathogenicity. Review status: criteria provided, conflicting classifications (1 of 4 stars). 2 submissions from 2 submitters: Uncertain significance (1); Benign (1). Last evaluated 2025-02-07.

Conditions:
Primary ciliary dyskinesia. Also called: Ciliary dyskinesia. Identifiers: Orphanet 244, MedGen C0008780, MONDO:0016575, HP:0012265.

Allele frequency attached by ClinVar (database versions not stated): ExAC 0.00001; gnomAD 0.00007; TOPMed 0.00009; ESP Exome Variant Server 0.00017.
gnomAD v4.1: 28 of 1,579,340 alleles (0.0018%); highest among the groups gnomAD compares: African/African-American, 0.022%; no homozygotes.

Submissions (2):

Labcorp Genetics (formerly Invitae), Labcorp
Classification: Benign for Primary ciliary dyskinesia. Last evaluated: 2025-02-07. Review status: criteria provided, single submitter. Criteria: Invitae Variant Classification Sherloc (09022015). Collection method: clinical testing. Allele origin: germline.

Ambry Genetics
Classification: Uncertain significance for Primary ciliary dyskinesia. Last evaluated: 2017-12-13. Review status: criteria provided, single submitter. Criteria: Ambry Variant Classification Scheme 2023. Collection method: clinical testing. Allele origin: germline.
Comment: The p.Y1212C variant (also known as c.3635A>G), located in coding exon 18 of the DNAH11 gene, results from an A to G substitution at nucleotide position 3635. The tyrosine at codon 1212 is replaced by cysteine, an amino acid with highly dissimilar properties. This amino acid position is well conserved in available vertebrate species. In addition, this alteration is predicted to be tolerated by in silico analysis. Since supporting evidence is limited at this time, the clinical significance of this alteration remains unclear.